The following is an entry in ClinVar:

NM_006514.4(SCN10A):c.4768G>A (p.Ala1590Thr)

Gene: SCN10A (sodium voltage-gated channel alpha subunit 10; minus strand). Cytogenetic location: 3p22.2.
Variant type: single nucleotide variant.
Coding change: c.4768G>A on transcript NM_006514.4 (MANE Select); coding-DNA position 4768, G replaced by A.
Protein change: p.Ala1590Thr; replaces alanine 1590 with threonine.
Molecular consequence: missense variant.
Genome position (GRCh38, 1-based): chr3:38,698,452, C>T on the plus strand (G>A on the coding strand, the complement: SCN10A is on the minus strand). VCF-style: chr3-38698452-C-T. GRCh37 (hg19) VCF-style: chr3-38739943-C-T.
Other names: c.4765G>A, p.Ala1589Thr (NM_001293306.2); c.4474G>A, p.Ala1492Thr (NM_001293307.2); short protein forms A1589T, A1590T, A1492T.
Identifiers: ClinVar variation 3950859 (VCV003950859.1).

ClinVar aggregate classification (germline): Uncertain significance (1 of 4 stars; one submission).

Conditions:
Cardiovascular phenotype. Identifiers: MedGen CN230736.

Submission:

Ambry Genetics
Classification: Uncertain significance for Cardiovascular phenotype. Last evaluated: 2025-04-12. Review status: criteria provided, single submitter. Criteria: Ambry Variant Classification Scheme 2023. Collection method: clinical testing. Allele origin: germline.
Comment: The p.A1590T variant (also known as c.4768G>A), located in coding exon 27 of the SCN10A gene, results from a G to A substitution at nucleotide position 4768. The alanine at codon 1590 is replaced by threonine, an amino acid with similar properties. This amino acid position is conserved. In addition, this alteration is predicted to be deleterious by in silico analysis. Based on the available evidence, the clinical significance of this variant remains unclear.